The following is an entry in ClinVar:

NM_014629.4(ARHGEF10):c.3397+4A>C

Gene: ARHGEF10 (Rho guanine nucleotide exchange factor 10; plus strand). Cytogenetic location: 8p23.3.
Variant type: single nucleotide variant.
Coding change: c.3397+4A>C on transcript NM_014629.4 (MANE Select); 4 bases into the intron after coding-DNA position 3397, A replaced by C.
Molecular consequence: intron variant.
Genome position (GRCh38, 1-based): chr8:1,945,659, A>C. VCF-style: chr8-1945659-A-C. GRCh37 (hg19) VCF-style: chr8-1893825-A-C.
Other names: c.3280+4A>C (NM_001438092.1, NM_001438093.1); c.3400+4A>C (NM_001438091.1); c.3283+4A>C (NM_001308152.2, NM_001438094.1); c.3397+4A>C (NM_001308153.3).
Identifiers: ClinVar variation 4753279 (VCV004753279.1).

ClinVar aggregate classification (germline): Uncertain significance (1 of 4 stars; one submission).

gnomAD v4.1: 10 of 1,614,060 alleles (0.00062%); highest among the groups gnomAD compares: East Asian, 0.022%; no homozygotes.

Submission:

Labcorp Genetics (formerly Invitae), Labcorp
Classification: Uncertain significance. Last evaluated: 2025-10-27. Review status: criteria provided, single submitter. Criteria: Invitae Variant Classification Sherloc (09022015). Collection method: clinical testing. Allele origin: germline.
Comment: This sequence change falls in intron 27 of the ARHGEF10 gene. It does not directly change the encoded amino acid sequence of the ARHGEF10 protein. It affects a nucleotide within the consensus splice site. This variant is present in population databases (rs777746898, gnomAD 0.05%). This variant has not been reported in the literature in individuals affected with ARHGEF10-related conditions. Variants that disrupt the consensus splice site are a relatively common cause of aberrant splicing (PMID: 17576681, 9536098). Algorithms developed to predict the effect of sequence changes on RNA splicing suggest that this variant is not likely to affect RNA splicing. In summary, the available evidence is currently insufficient to determine the role of this variant in disease. Therefore, it has been classified as a Variant of Uncertain Significance.

Literature cited by the submitters: PubMed 17576681; PubMed 9536098.